The following is an entry in ClinVar:

NM_014679.5(CEP57):c.202+5T>C

Gene: CEP57 (centrosomal protein 57; plus strand). Cytogenetic location: 11q21.
Variant type: single nucleotide variant.
Coding change: c.202+5T>C on transcript NM_014679.5 (MANE Select); 5 bases into the intron after coding-DNA position 202, T replaced by C.
Molecular consequence: intron variant.
Genome position (GRCh38, 1-based): chr11:95,799,393, T>C. VCF-style: chr11-95799393-T-C. GRCh37 (hg19) VCF-style: chr11-95532557-T-C.
Other names: c.121+5T>C (NM_001363604.2); c.175+5T>C (NM_001243776.2); c.202+5T>C (NM_001243777.2).
Identifiers: ClinVar variation 3715540 (VCV003715540.2).

ClinVar aggregate classification (germline): Uncertain significance (1 of 4 stars; one submission).

Conditions:
Mosaic variegated aneuploidy syndrome 2 (MVA2). Identifiers: Orphanet 1052, MedGen C3279843, MONDO:0013582, OMIM 614114.

gnomAD v4.1: 7 of 1,613,854 alleles (0.00043%); highest among the groups gnomAD compares: Non-Finnish European, 0.00059%; no homozygotes.

Submission:

Labcorp Genetics (formerly Invitae), Labcorp
Classification: Uncertain significance for Mosaic variegated aneuploidy syndrome 2. Last evaluated: 2024-11-26. Review status: criteria provided, single submitter. Criteria: Invitae Variant Classification Sherloc (09022015). Collection method: clinical testing. Allele origin: germline.
Comment: This sequence change falls in intron 2 of the CEP57 gene. It does not directly change the encoded amino acid sequence of the CEP57 protein. It affects a nucleotide within the consensus splice site. This variant is not present in population databases (gnomAD no frequency). This variant has not been reported in the literature in individuals affected with CEP57-related conditions. Variants that disrupt the consensus splice site are a relatively common cause of aberrant splicing (PMID: 17576681, 9536098). Algorithms developed to predict the effect of sequence changes on RNA splicing suggest that this variant is not likely to affect RNA splicing. In summary, the available evidence is currently insufficient to determine the role of this variant in disease. Therefore, it has been classified as a Variant of Uncertain Significance.

Literature cited by the submitters: PubMed 17576681; PubMed 9536098.